The following is an entry in ClinVar:

ClinVar aggregate classification (germline): Uncertain significance. Review status: reviewed by expert panel (3 of 4 stars). 3 submissions from 3 submitters: Uncertain significance (1). 2 of the submissions do not count toward it. Last evaluated 2023-10-13.

Conditions:
Christianson syndrome (MRXSCH). Also called: SLC9A6-Related Syndromic Mental Retardation; X-linked mental retardation, syndromic, Christianson type; INTELLECTUAL DEVELOPMENTAL DISORDER, X-LINKED, SYNDROMIC, CHRISTIANSON TYPE. Identifiers: Orphanet 85278, MedGen C2678194, MONDO:0010278, OMIM 300243.

gnomAD v4.1: 1 of 1,211,705 alleles (0.000083%); no homozygotes.

Submissions (3):

ClinGen Rett and Angelman-like Disorders Variant Curation Expert Panel
Classification: Uncertain significance for Christianson syndrome. Last evaluated: 2023-10-13. Review status: reviewed by expert panel. Criteria: ClinGen RettAS ACMG Specifications SLC9A6 V3.0.0. Collection method: curation. Allele origin: germline. Inheritance: X-linked inheritance.
Comment: The c.237G>A (p.Leu79=) variant in SLC9A6 (NM_006359.2) is absent from gnomAD (PM2_supporting). Splice prediction analysis, using multiple computational tools does not suggest an impact to splicing (BP4). In summary, the p.Leu79= variant in SLC9A6 is classified as a Variant of Uncertain Significance based on the ACMG/AMP criteria (PM2_supporting, BP4).

Labcorp Genetics (formerly Invitae), Labcorp
Classification: Likely benign for Christianson syndrome. Last evaluated: 2025-03-31. Review status: criteria provided, single submitter. Criteria: Invitae Variant Classification Sherloc (09022015). Collection method: clinical testing. Allele origin: germline. Not counted in ClinVar's aggregate classification.

GeneDx
Classification: Uncertain significance. Last evaluated: 2020-10-27. Review status: criteria provided, single submitter. Criteria: GeneDx Variant Classification Process June 2021. Collection method: clinical testing. Allele origin: germline. Affected: yes. Not counted in ClinVar's aggregate classification.
Comment: Not observed in large population cohorts (Lek et al., 2016); Has not been previously published as pathogenic or benign to our knowledge; In-silico analysis, which includes splice predictors and evolutionary conservation, is inconclusive as to whether the variant alters gene splicing. In the absence of RNA/functional studies, the actual effect of this sequence change is unknown.

NM_001379110.1(SLC9A6):c.81G>A (p.Leu27=)

Genes: SLC9A6 (solute carrier family 9 member A6; plus strand), LOC130068747 (ATAC-STARR-seq lymphoblastoid active region 29988; plus strand). Cytogenetic location: Xq26.3.
Variant type: single nucleotide variant.
Coding change: c.81G>A on transcript NM_001379110.1 (MANE Select); coding-DNA position 81, G replaced by A.
Protein change: p.Leu27=; no amino-acid change (leucine 27 retained).
Molecular consequence: synonymous variant.
Genome position (GRCh38, 1-based): chrX:135,985,739, G>A. VCF-style: chrX-135985739-G-A. GRCh37 (hg19) VCF-style: chrX-135067898-G-A.
Other names: NM_001379110.1(SLC9A6):c.81G>A; p.Leu27=; c.237G>A, p.Leu79= (NM_001042537.2, NM_006359.3); c.81G>A, p.Leu27= (NM_001177651.2, NM_001330652.2).
Identifiers: ClinVar variation 1143525 (VCV001143525.11), dbSNP rs2089324822, ClinGen allele CA518490677.